The following is an entry in ClinVar:

NM_000426.4(LAMA2):c.9008A>G (p.Asn3003Ser)

Gene: LAMA2 (laminin subunit alpha 2; plus strand). Cytogenetic location: 6q22.33.
Variant type: single nucleotide variant.
Coding change: c.9008A>G on transcript NM_000426.4 (MANE Select); coding-DNA position 9008, A replaced by G.
Protein change: p.Asn3003Ser; replaces asparagine 3003 with serine.
Molecular consequence: missense variant.
Genome position (GRCh38, 1-based): chr6:129,514,392, A>G. VCF-style: chr6-129514392-A-G. GRCh37 (hg19) VCF-style: chr6-129835537-A-G.
Other names: c.8996A>G, p.Asn2999Ser (NM_001079823.2); short protein forms N2999S, N3003S.
Identifiers: ClinVar variation 847189 (VCV000847189.8), dbSNP rs747619612, ClinGen allele CA3995013.

ClinVar aggregate classification (germline): Conflicting classifications of pathogenicity. Review status: criteria provided, conflicting classifications (1 of 4 stars). 2 submissions from 2 submitters: Uncertain significance (1); Likely benign (1). Last evaluated 2025-07-15.

Conditions:
Inborn genetic diseases. Identifiers: MedGen C0950123, MeSH D030342.
LAMA2-related muscular dystrophy (LAMA2-RD). Also called: Laminin alpha 2-related dystrophy. Identifiers: MedGen C5679788, MONDO:0100228.

Allele frequency attached by ClinVar (database versions not stated): gnomAD exomes 0.00001 and 0.00004; ExAC 0.00003; TOPMed 0.00006; gnomAD 0.00012 and 0.00013.
gnomAD v4.1: 40 of 1,613,544 alleles (0.0025%); highest among the groups gnomAD compares: Admixed American, 0.037%; no homozygotes.

Submissions (2):

Labcorp Genetics (formerly Invitae), Labcorp
Classification: Likely benign for LAMA2-related muscular dystrophy. Last evaluated: 2025-07-15. Review status: criteria provided, single submitter. Criteria: Invitae Variant Classification Sherloc (09022015). Collection method: clinical testing. Allele origin: germline.

Ambry Genetics
Classification: Uncertain significance for Inborn genetic diseases. Last evaluated: 2021-06-03. Review status: criteria provided, single submitter. Criteria: Ambry Variant Classification Scheme 2023. Collection method: clinical testing. Allele origin: germline.
Comment: The c.9008A>G (p.N3003S) alteration is located in exon 64 (coding exon 64) of the LAMA2 gene. This alteration results from a A to G substitution at nucleotide position 9008, causing the asparagine (N) at amino acid position 3003 to be replaced by a serine (S). The p.N3003S alteration is predicted to be tolerated by in silico analysis. Based on insufficient or conflicting evidence, the clinical significance of this alteration remains unclear.